The following is an entry in ClinVar:

NM_178170.3(NEK8):c.1522A>G (p.Met508Val)

Gene: NEK8 (NIMA related kinase 8; plus strand). Cytogenetic location: 17q11.2.
Variant type: single nucleotide variant.
Coding change: c.1522A>G on transcript NM_178170.3 (MANE Select); coding-DNA position 1522, A replaced by G.
Protein change: p.Met508Val; replaces methionine 508 with valine.
Molecular consequence: missense variant.
Genome position (GRCh38, 1-based): chr17:28,740,567, A>G. VCF-style: chr17-28740567-A-G. GRCh37 (hg19) VCF-style: chr17-27067585-A-G.
Other names: short protein forms M508V.
Identifiers: ClinVar variation 5039770 (VCV005039770.1).
Genomic context (GRCh38, chr17:28,740,567, plus strand): 5'-CAGGTGCCCATGCCCCCAGGACAGGAAGCTCAGCGAGTTGTATGTGGTATCGATTCCTCC[A>G]TGATCCTCACTGTGCCTGGCCAAGCCCTAGCCTGTGGGAGCAACAGGTGAATAGATCATC-3'
Protein context (NP_835464.1, residues 498-518): QRVVCGIDSS[Met508Val]ILTVPGQALA

ClinVar aggregate classification (germline): Uncertain significance (1 of 4 stars; one submission).

gnomAD v4.1: 3 of 1,614,188 alleles (0.00019%); highest among the groups gnomAD compares: East Asian, 0.0022%; no homozygotes.

Submission:

CeGaT Center for Human Genetics Tuebingen
Classification: Uncertain significance. Last evaluated: 2026-07-01. Review status: criteria provided, single submitter. Criteria: CeGaT Center For Human Genetics Tuebingen Variant Classification Criteria Version 2. Collection method: clinical testing. Allele origin: germline. Affected: yes. Observed: 1 variant allele.
Comment: NEK8: PM2, PP2, BP4